The following is an entry in ClinVar:

NM_004187.5(KDM5C):c.1500_1515del (p.Leu502fs)

Gene: KDM5C (lysine demethylase 5C; minus strand). Cytogenetic location: Xp11.22.
Variant type: Deletion.
Coding change: c.1500_1515del on transcript NM_004187.5 (MANE Select); coding-DNA positions 1500 to 1515, 16 bases deleted (CTGGCTCTACGTGGGC).
Protein change: p.Leu502fs; shifts the reading frame from leucine 502.
Molecular consequence: frameshift variant. On other transcripts: non-coding transcript variant (3).
Genome position (GRCh38, 1-based): chrX:53,210,744-53,210,759, GCCCACGTAGAGCCAG deleted on the plus strand (CTGGCTCTACGTGGGC on the coding strand, the reverse complement: KDM5C is on the minus strand); deleting any 16 consecutive bases within chrX:53,210,744-53,210,760 gives the same sequence; the c. name uses the placement nearest the transcript's 3' end. VCF-style (leftmost placement, unchanged base first): chrX-53210743-TGCCCACGTAGAGCCAG-T. GRCh37 (hg19) VCF-style: chrX-53239925-TGCCCACGTAGAGCCAG-T.
Other names: c.1299_1314del, p.Leu435fs (NM_001146702.2); c.1497_1512del, p.Leu501fs (NM_001282622.3, NM_001353979.2, NM_001353982.2); c.1500_1515del, p.Leu502fs (NM_001353978.3, NM_001353981.2, NM_001353984.2); short protein forms L501fs, L435fs, L502fs.
Identifiers: ClinVar variation 2823247 (VCV002823247.3), dbSNP rs2519509156, ClinGen allele CA2739273520.

ClinVar aggregate classification (germline): Pathogenic (1 of 4 stars; one submission).

Conditions:
Spastic paraplegia. Identifiers: MedGen C0037772, HP:0001258.

Submission:

Labcorp Genetics (formerly Invitae), Labcorp
Classification: Pathogenic for Spastic paraplegia. Last evaluated: 2022-12-22. Review status: criteria provided, single submitter. Criteria: Invitae Variant Classification Sherloc (09022015). Collection method: clinical testing. Allele origin: germline.
Comment: This sequence change creates a premature translational stop signal (p.Leu502Serfs*42) in the KDM5C gene. It is expected to result in an absent or disrupted protein product. Loss-of-function variants in KDM5C are known to be pathogenic (PMID: 15586325, 18697827). This variant is not present in population databases (gnomAD no frequency). This variant has not been reported in the literature in individuals affected with KDM5C-related conditions. For these reasons, this variant has been classified as Pathogenic.

Literature cited by the submitters: PubMed 15586325; PubMed 18697827.